The following is an entry in ClinVar:

ClinVar aggregate classification (germline): Likely pathogenic (1 of 4 stars; one submission).

Submission:

Labcorp Genetics (formerly Invitae), Labcorp
Classification: Likely pathogenic. Last evaluated: 2023-10-03. Review status: criteria provided, single submitter. Criteria: Invitae Variant Classification Sherloc (09022015). Collection method: clinical testing. Allele origin: germline.
Comment: This sequence change affects an acceptor splice site in intron 4 of the MAK gene. It is expected to disrupt RNA splicing. Variants that disrupt the donor or acceptor splice site typically lead to a loss of protein function (PMID: 16199547), and loss-of-function variants in MAK are known to be pathogenic (PMID: 21148103, 21825139, 24938718, 29781741). This variant is not present in population databases (gnomAD no frequency). This variant has not been reported in the literature in individuals affected with MAK-related conditions. ClinVar contains an entry for this variant (Variation ID: 1998912). Algorithms developed to predict the effect of sequence changes on RNA splicing suggest that this variant may disrupt the consensus splice site. In summary, the currently available evidence indicates that the variant is pathogenic, but additional data are needed to prove that conclusively. Therefore, this variant has been classified as Likely Pathogenic.

Literature cited by the submitters: PubMed 16199547; PubMed 21148103; PubMed 21825139; PubMed 24938718; PubMed 29781741.

NM_001242957.3(MAK):c.359-1G>A

Gene: MAK (male germ cell associated kinase; minus strand). Cytogenetic location: 6p24.2.
Variant type: single nucleotide variant.
Coding change: c.359-1G>A on transcript NM_001242957.3 (MANE Select); the canonical splice acceptor site of the intron before coding-DNA position 359, G replaced by A.
Molecular consequence: splice acceptor variant.
Genome position (GRCh38, 1-based): chr6:10,808,943, C>T on the plus strand (G>A on the coding strand, the complement: MAK is on the minus strand). VCF-style: chr6-10808943-C-T. GRCh37 (hg19) VCF-style: chr6-10809176-C-T.
Other names: c.257-1G>A (NM_001377262.1); c.359-1G>A (NM_005906.6, NM_001242385.2).
Identifiers: ClinVar variation 1998912 (VCV001998912.4), dbSNP rs766527083, ClinGen allele CA362721026.